The following is an entry in ClinVar:

ClinVar aggregate classification (germline): Pathogenic (1 of 4 stars; one submission).

Conditions:
Dilated cardiomyopathy 1DD (CMD1DD). Identifiers: Orphanet 154, MedGen C2750995, MONDO:0013168, OMIM 613172.

Submission:

Labcorp Genetics (formerly Invitae), Labcorp
Classification: Pathogenic for Dilated cardiomyopathy 1DD. Last evaluated: 2025-11-21. Review status: criteria provided, single submitter. Criteria: Invitae Variant Classification Sherloc (09022015). Collection method: clinical testing. Allele origin: germline.
Comment: This sequence change creates a premature translational stop signal (p.Glu687Glyfs*86) in the RBM20 gene. It is expected to result in an absent or disrupted protein product. Loss-of-function variants in RBM20 are known to be pathogenic (PMID: 20590677, 22004663, 38288598, 38510713, 40339755). This variant is not present in population databases (gnomAD no frequency). This variant has not been reported in the literature in individuals affected with RBM20-related conditions. ClinVar contains an entry for this variant (Variation ID: 2751096). For these reasons, this variant has been classified as Pathogenic.

Literature cited by the submitters: PubMed 20590677; PubMed 22004663; PubMed 38288598; PubMed 38510713; PubMed 40339755.

NM_001134363.3(RBM20):c.2060del (p.Glu687fs)

Gene: RBM20 (RNA binding motif protein 20; plus strand). Cytogenetic location: 10q25.2.
Variant type: Deletion.
Coding change: c.2060del on transcript NM_001134363.3 (MANE Select); coding-DNA position 2060, one base deleted (A; older notation c.2060delA).
Protein change: p.Glu687fs; shifts the reading frame from glutamic acid 687.
Molecular consequence: frameshift variant.
Genome position (GRCh38, 1-based): chr10:110,812,457, A deleted. VCF-style (leftmost placement, unchanged base first): chr10-110812456-GA-G. GRCh37 (hg19) VCF-style: chr10-112572214-GA-G.
Other names: short protein forms E687fs.
Identifiers: ClinVar variation 2751096 (VCV002751096.3), dbSNP rs2493473776, ClinGen allele CA2697558789.